The following is an entry in ClinVar:

ClinVar aggregate classification (germline): Uncertain significance (1 of 4 stars; one submission).

gnomAD v4.1: 3 of 1,613,968 alleles (0.00019%); highest among the groups gnomAD compares: Non-Finnish European, 0.00025%; no homozygotes.

Submission:

GeneDx
Classification: Uncertain significance. Last evaluated: 2025-03-24. Review status: criteria provided, single submitter. Criteria: GeneDx Variant Classification Process June 2021. Collection method: clinical testing. Allele origin: germline. Affected: yes.
Comment: Not observed at significant frequency in large population cohorts (gnomAD); In silico analysis supports that this missense variant has a deleterious effect on protein structure/function; Has not been previously published as pathogenic or benign to our knowledge

NM_014847.4(UBAP2L):c.1577A>G (p.Glu526Gly)

Gene: UBAP2L (ubiquitin associated protein 2 like; plus strand). Cytogenetic location: 1q21.3.
Variant type: single nucleotide variant.
Coding change: c.1577A>G on transcript NM_014847.4 (MANE Select); coding-DNA position 1577, A replaced by G.
Protein change: p.Glu526Gly; replaces glutamic acid 526 with glycine.
Molecular consequence: missense variant.
Genome position (GRCh38, 1-based): chr1:154,251,566, A>G. VCF-style: chr1-154251566-A-G. GRCh37 (hg19) VCF-style: chr1-154224042-A-G.
Other names: c.1577A>G, p.Glu526Gly (NM_001127320.3, NM_001375614.1, NM_001375615.1 and 14 more transcripts); c.1556A>G, p.Glu519Gly (NM_001287815.1); c.1610A>G, p.Glu537Gly (NM_001287816.1, NM_001330730.1, NM_001375612.1 and 2 more transcripts); short protein forms E537G, E526G, E519G.
Identifiers: ClinVar variation 4087832 (VCV004087832.1).